The following is an entry in ClinVar:

ClinVar aggregate classification (germline): Uncertain significance. Review status: criteria provided, multiple submitters, no conflicts (2 of 4 stars). 2 submissions from 2 submitters: Uncertain significance (2). Last evaluated 2025-01-17.

Conditions:
Inborn genetic diseases. Identifiers: MedGen C0950123, MeSH D030342.

gnomAD v4.1: 4 of 1,614,180 alleles (0.00025%); highest among the groups gnomAD compares: East Asian, 0.0022%; no homozygotes.

Submissions (2):

Ambry Genetics
Classification: Uncertain significance for Inborn genetic diseases. Last evaluated: 2025-01-17. Review status: criteria provided, single submitter. Criteria: Ambry Variant Classification Scheme 2023. Collection method: clinical testing. Allele origin: germline.
Comment: The c.1543+5T>C intronic variant results from a T to C substitution 5 nucleotides after coding exon 6 in the MBD4 gene. This nucleotide position is not well conserved in available vertebrate species. In silico splice site analysis predicts that this alteration will not have any significant effect on splicing. Based on the available evidence, the clinical significance of this variant remains unclear.

Labcorp Genetics (formerly Invitae), Labcorp
Classification: Uncertain significance. Last evaluated: 2024-12-24. Review status: criteria provided, single submitter. Criteria: Invitae Variant Classification Sherloc (09022015). Collection method: clinical testing. Allele origin: germline.
Comment: This sequence change falls in intron 6 of the MBD4 gene. It does not directly change the encoded amino acid sequence of the MBD4 protein. It affects a nucleotide within the consensus splice site. This variant is present in population databases (no rsID available, gnomAD 0.006%). This variant has not been reported in the literature in individuals affected with MBD4-related conditions. ClinVar contains an entry for this variant (Variation ID: 2903065). Variants that disrupt the consensus splice site are a relatively common cause of aberrant splicing (PMID: 17576681, 9536098). Algorithms developed to predict the effect of sequence changes on RNA splicing suggest that this variant is not likely to affect RNA splicing. In summary, the available evidence is currently insufficient to determine the role of this variant in disease. Therefore, it has been classified as a Variant of Uncertain Significance.

Literature cited by the submitters: PubMed 17576681 (cited by Labcorp Genetics (formerly Invitae), Labcorp); PubMed 9536098 (cited by Labcorp Genetics (formerly Invitae), Labcorp).

NM_001276270.2(MBD4):c.1543+5T>C

Gene: MBD4 (methyl-CpG binding domain 4, DNA glycosylase; minus strand). Cytogenetic location: 3q21.3.
Variant type: single nucleotide variant.
Coding change: c.1543+5T>C on transcript NM_001276270.2 (MANE Select); 5 bases into the intron after coding-DNA position 1543, T replaced by C.
Molecular consequence: intron variant.
Genome position (GRCh38, 1-based): chr3:129,433,093, A>G on the plus strand (T>C on the coding strand, the complement: MBD4 is on the minus strand). VCF-style: chr3-129433093-A-G. GRCh37 (hg19) VCF-style: chr3-129151936-A-G.
Other names: c.607+5T>C (NM_001276273.2); c.1561+5T>C (NM_001276272.2, NM_003925.3, NM_001276271.2).
Identifiers: ClinVar variation 2903065 (VCV002903065.4), dbSNP rs1435488568, ClinGen allele CA546209251.